The following is an entry in ClinVar:

NM_032730.5(RTN4IP1):c.75C>T (p.Val25=)

Gene: RTN4IP1 (reticulon 4 interacting protein 1; minus strand). Cytogenetic location: 6q21.
Variant type: single nucleotide variant.
Coding change: c.75C>T on transcript NM_032730.5 (MANE Select); coding-DNA position 75, C replaced by T.
Protein change: p.Val25=; no amino-acid change (valine 25 retained).
Molecular consequence: synonymous variant. On other transcripts: intron variant (1).
Genome position (GRCh38, 1-based): chr6:106,628,947, G>A on the plus strand (C>T on the coding strand, the complement: RTN4IP1 is on the minus strand). VCF-style: chr6-106628947-G-A. GRCh37 (hg19) VCF-style: chr6-107076822-G-A.
Other names: c.-27+1380C>T (NM_001318746.1).
Identifiers: ClinVar variation 1077896 (VCV001077896.17), dbSNP rs142241460, ClinGen allele CA3944596.
Genomic context (GRCh38, chr6:106,628,947, plus strand): 5'-AGCAGGCATGACAGTGCTCCTAGGAGAGGTAGTACTAATCCTTCTAACTGAAGGCTTTTG[G>A]ACAACTTTGCTTCTCCAGAAGCAAACCGCAGTGCATGCATTTCTTCTAAGTACACAAGTC-3'
Protein context (NP_116119.2, residues 15-35): TAVCFWRSKV[Val25=]QKPSVRRIST

ClinVar aggregate classification (germline): Likely benign. Review status: criteria provided, multiple submitters, no conflicts (2 of 4 stars). 3 submissions from 3 submitters: Likely benign (3). Last evaluated 2025-11-27.

Allele frequency attached by ClinVar (database versions not stated): gnomAD exomes 0.00004 and 0.00011; ExAC 0.00013; ESP Exome Variant Server 0.00023; TOPMed 0.00037; gnomAD 0.00041; 1000 Genomes Project 30x 0.00062; 1000 Genomes Project 0.00080.
gnomAD v4.1: 137 of 1,614,042 alleles (0.0085%); highest among the groups gnomAD compares: African/African-American, 0.13%; no homozygotes.

Submissions (3):

Labcorp Genetics (formerly Invitae), Labcorp
Classification: Likely benign. Last evaluated: 2025-11-27. Review status: criteria provided, single submitter. Criteria: Invitae Variant Classification Sherloc (09022015). Collection method: clinical testing. Allele origin: germline.

CeGaT Center for Human Genetics Tuebingen
Classification: Likely benign. Last evaluated: 2025-09-01. Review status: criteria provided, single submitter. Criteria: CeGaT Center For Human Genetics Tuebingen Variant Classification Criteria Version 2. Collection method: clinical testing. Allele origin: germline. Affected: yes. Observed: 1 variant allele.
Comment: RTN4IP1: BP4, BP7

Blueprint Genetics
Classification: Likely benign. Last evaluated: 2023-09-06. Review status: criteria provided, single submitter. Criteria: ACMG Guidelines, 2015. Collection method: clinical testing. Allele origin: germline.